The following is an entry in ClinVar:

NM_006939.4(SOS2):c.1537G>C (p.Glu513Gln)

Gene: SOS2 (SOS Ras/Rho guanine nucleotide exchange factor 2; minus strand). Cytogenetic location: 14q21.3.
Variant type: single nucleotide variant.
Coding change: c.1537G>C on transcript NM_006939.4 (MANE Select); coding-DNA position 1537, G replaced by C.
Protein change: p.Glu513Gln; replaces glutamic acid 513 with glutamine.
Molecular consequence: missense variant.
Genome position (GRCh38, 1-based): chr14:50,159,746, C>G on the plus strand (G>C on the coding strand, the complement: SOS2 is on the minus strand). VCF-style: chr14-50159746-C-G. GRCh37 (hg19) VCF-style: chr14-50626464-C-G.
Other names: c.1438G>C, p.Glu480Gln (NM_001411020.1); c.1537G>C (NM_006939.2); short protein forms E480Q, E513Q.
Identifiers: ClinVar variation 2039931 (VCV002039931.8), dbSNP rs1344796129, ClinGen allele CA389645541.

ClinVar aggregate classification (germline): Uncertain significance. Review status: criteria provided, multiple submitters, no conflicts (2 of 4 stars). 3 submissions from 3 submitters: Uncertain significance (3). Last evaluated 2025-07-29.

Conditions:
Noonan syndrome 9 (NS9). Identifiers: Orphanet 648, MedGen C4225282, MONDO:0014691, OMIM 616559.
Cardiovascular phenotype. Identifiers: MedGen CN230736.

Allele frequency attached by ClinVar (database versions not stated): gnomAD 0.00001; TOPMed below 0.00001.
gnomAD v4.1: 36 of 1,613,754 alleles (0.0022%); highest among the groups gnomAD compares: Non-Finnish European, 0.003%; no homozygotes.

Submissions (3):

Labcorp Genetics (formerly Invitae), Labcorp
Classification: Uncertain significance for Noonan syndrome 9. Last evaluated: 2025-07-29. Review status: criteria provided, single submitter. Criteria: Invitae Variant Classification Sherloc (09022015). Collection method: clinical testing. Allele origin: germline.
Comment: This sequence change replaces glutamic acid, which is acidic and polar, with glutamine, which is neutral and polar, at codon 513 of the SOS2 protein (p.Glu513Gln). This variant is not present in population databases (gnomAD no frequency). This variant has not been reported in the literature in individuals affected with SOS2-related conditions. ClinVar contains an entry for this variant (Variation ID: 2039931). Invitae Evidence Modeling of protein sequence and biophysical properties (such as structural, functional, and spatial information, amino acid conservation, physicochemical variation, residue mobility, and thermodynamic stability) indicates that this missense variant is not expected to disrupt SOS2 protein function with a negative predictive value of 95%. In summary, the available evidence is currently insufficient to determine the role of this variant in disease. Therefore, it has been classified as a Variant of Uncertain Significance.

Ambry Genetics
Classification: Uncertain significance for Cardiovascular phenotype. Last evaluated: 2025-07-28. Review status: criteria provided, single submitter. Criteria: Ambry Variant Classification Scheme 2023. Collection method: clinical testing. Allele origin: germline.
Comment: The p.E513Q variant (also known as c.1537G>C), located in coding exon 10 of the SOS2 gene, results from a G to C substitution at nucleotide position 1537. The glutamic acid at codon 513 is replaced by glutamine, an amino acid with highly similar properties. This amino acid position is conserved. In addition, the in silico prediction for this alteration is inconclusive. Based on the available evidence, the clinical significance of this variant remains unclear.

St. Jude Molecular Pathology, St. Jude Children's Research Hospital
Classification: Uncertain significance for Noonan syndrome 9. Last evaluated: 2025-06-17. Review status: criteria provided, single submitter. Criteria: St. Jude Assertion Criteria 2020. Collection method: clinical testing. Allele origin: germline.
Comment: The SOS2 c.1537G>C p.(Glu513Gln) missense change is absent in gnomAD v2.1.1. The in silico tool REVEL is inconclusive about a pathogenic or benign effect of this variant on protein function, and to our knowledge functional studies have not been performed. To our knowledge, this variant has not been reported in individuals with Noonan syndrome. In summary, the evidence currently available is insufficient to determine the clinical significance of this variant. It has therefore been classified as of uncertain significance.